The following is an entry in ClinVar:

NM_005535.3(IL12RB1):c.232C>T (p.Arg78Trp)

Gene: IL12RB1 (interleukin 12 receptor subunit beta 1; minus strand). Cytogenetic location: 19p13.11.
Variant type: single nucleotide variant.
Coding change: c.232C>T on transcript NM_005535.3 (MANE Select); coding-DNA position 232, C replaced by T.
Protein change: p.Arg78Trp; replaces arginine 78 with tryptophan.
Molecular consequence: missense variant.
Genome position (GRCh38, 1-based): chr19:18,082,157, G>A on the plus strand (C>T on the coding strand, the complement: IL12RB1 is on the minus strand). VCF-style: chr19-18082157-G-A. GRCh37 (hg19) VCF-style: chr19-18192967-G-A.
Other names: c.232C>T, p.Arg78Trp (NM_001290023.2, NM_153701.3); c.352C>T, p.Arg118Trp (NM_001290024.2); short protein forms R118W, R78W.
Identifiers: ClinVar variation 1055525 (VCV001055525.6), dbSNP rs751966500, ClinGen allele CA9305299.

ClinVar aggregate classification (germline): Uncertain significance (1 of 4 stars; one submission).

Conditions:
Mendelian susceptibility to mycobacterial diseases due to complete IL12RB1 deficiency. Also called: IL12RB1 DEFICIENCY; Immunodeficiency 30. Identifiers: Orphanet 319552, MedGen C4013949, MONDO:0013955, OMIM 614891.

Allele frequency attached by ClinVar (database versions not stated): gnomAD 0.00001; TOPMed 0.00001; gnomAD exomes 0.00001; ExAC 0.00001.
gnomAD v4.1: 30 of 1,601,416 alleles (0.0019%); highest among the groups gnomAD compares: East Asian, 0.011%; no homozygotes.

Submission:

Labcorp Genetics (formerly Invitae), Labcorp
Classification: Uncertain significance for Mendelian susceptibility to mycobacterial diseases due to complete IL12RB1 deficiency. Last evaluated: 2021-09-01. Review status: criteria provided, single submitter. Criteria: Invitae Variant Classification Sherloc (09022015). Collection method: clinical testing. Allele origin: germline.
Comment: This sequence change replaces arginine with tryptophan at codon 78 of the IL12RB1 protein (p.Arg78Trp). The arginine residue is weakly conserved and there is a moderate physicochemical difference between arginine and tryptophan. This variant is present in population databases (rs751966500, ExAC 0.01%). This variant has not been reported in the literature in individuals affected with IL12RB1-related conditions. Algorithms developed to predict the effect of missense changes on protein structure and function output the following: SIFT: "Tolerated"; PolyPhen-2: "Benign"; Align-GVGD: "Class C0". The tryptophan amino acid residue is found in multiple mammalian species, which suggests that this missense change does not adversely affect protein function. In summary, the available evidence is currently insufficient to determine the role of this variant in disease. Therefore, it has been classified as a Variant of Uncertain Significance.